The following is an entry in ClinVar:

NM_004360.5(CDH1):c.1298_1320+12del

Gene: CDH1 (cadherin 1; plus strand). Cytogenetic location: 16q22.1.
Variant type: Deletion.
Coding change: c.1298_1320+12del on transcript NM_004360.5 (MANE Select); coding-DNA position 1298 through 12 bases into the intron after coding-DNA position 1320, 35 bases deleted.
Molecular consequence: splice donor variant. On other transcripts: intron variant (1), 5 prime UTR variant (1).
Genome position (GRCh38, 1-based): chr16:68,813,473-68,813,507, 35 bases deleted. GRCh37 (hg19): chr16:68,847,376-68,847,410.
Other names: c.-522_-500+12del (NM_001317186.2); c.1137+1210_1137+1244del (NM_001317184.2); c.-318_-284del (NM_001317185.2).
Identifiers: ClinVar variation 2583589 (VCV002583589.2), dbSNP rs2543927176, ClinGen allele CA2582342587.
Genomic context (GRCh38, chr16:68,813,472, plus strand): 5'-TACACCATATTGAATGATGATGGTGGACAATTTGTCGTCACCACAAATCCAGTGAACAAC[GATGGCATTTTGAAAACAGCAAAGGTTTGTATGGTA>G]CCTGGCAAGATGCAGAAACTGGCATCCTCACAGCTGTTCATACCCTTGTCCCCTGGTATC-3'

ClinVar aggregate classification (germline): Likely pathogenic (1 of 4 stars; one submission).

Conditions:
Hereditary diffuse gastric adenocarcinoma (HDGC). Also called: DIFFUSE GASTRIC AND LOBULAR BREAST CANCER SYNDROME. Identifiers: Orphanet 26106, MedGen C1708349, MONDO:0007648, OMIM 137215.

Submission:

Myriad Genetics, Inc.
Classification: Likely pathogenic for Hereditary diffuse gastric adenocarcinoma. Last evaluated: 2023-06-13. Review status: criteria provided, single submitter. Criteria: Myriad Autosomal Dominant, Autosomal Recessive and X-Linked Classification Criteria (2023). Collection method: clinical testing. Allele origin: unknown.
Comment: This variant is considered likely pathogenic. This variant occurs within a consensus splice junction and is predicted to result in abnormal mRNA splicing of either an out-of-frame exon or an in-frame exon necessary for protein stability and/or normal function.